The following is an entry in ClinVar:

NM_014159.7(SETD2):c.5772G>T (p.Gln1924His)

Gene: SETD2 (SET domain containing 2, histone lysine methyltransferase; minus strand). Cytogenetic location: 3p21.31.
Variant type: single nucleotide variant.
Coding change: c.5772G>T on transcript NM_014159.7 (MANE Select); coding-DNA position 5772, G replaced by T.
Protein change: p.Gln1924His; replaces glutamine 1924 with histidine.
Molecular consequence: missense variant. On other transcripts: non-coding transcript variant (1).
Genome position (GRCh38, 1-based): chr3:47,084,008, C>A on the plus strand (G>T on the coding strand, the complement: SETD2 is on the minus strand). VCF-style: chr3-47084008-C-A. GRCh37 (hg19) VCF-style: chr3-47125498-C-A.
Other names: c.5640G>T, p.Gln1880His (NM_001349370.3); short protein forms Q1880H, Q1924H.
Identifiers: ClinVar variation 1063415 (VCV001063415.5), dbSNP rs551260840, ClinGen allele CA73812837.

ClinVar aggregate classification (germline): Uncertain significance (1 of 4 stars; one submission).

Conditions:
Luscan-Lumish syndrome. Identifiers: Orphanet 597738, MedGen C4085873, MONDO:0014791, OMIM 616831.

gnomAD v4.1: 1 of 1,614,132 alleles (0.000062%); no homozygotes.

Submission:

Labcorp Genetics (formerly Invitae), Labcorp
Classification: Uncertain significance for Luscan-Lumish syndrome. Last evaluated: 2024-07-29. Review status: criteria provided, single submitter. Criteria: Invitae Variant Classification Sherloc (09022015). Collection method: clinical testing. Allele origin: germline.
Comment: This sequence change replaces glutamine, which is neutral and polar, with histidine, which is basic and polar, at codon 1924 of the SETD2 protein (p.Gln1924His). This variant is not present in population databases (gnomAD no frequency). This variant has not been reported in the literature in individuals affected with SETD2-related conditions. ClinVar contains an entry for this variant (Variation ID: 1063415). Advanced modeling of protein sequence and biophysical properties (such as structural, functional, and spatial information, amino acid conservation, physicochemical variation, residue mobility, and thermodynamic stability) performed at Invitae indicates that this missense variant is not expected to disrupt SETD2 protein function with a negative predictive value of 80%. In summary, the available evidence is currently insufficient to determine the role of this variant in disease. Therefore, it has been classified as a Variant of Uncertain Significance.